The following is an entry in ClinVar:

ClinVar aggregate classification (germline): Uncertain significance. Review status: criteria provided, multiple submitters, no conflicts (2 of 4 stars). 4 submissions from 4 submitters: Uncertain significance (3). 1 of the submissions does not count toward it. Last evaluated 2025-10-23.

Conditions:
Inborn genetic diseases. Identifiers: MedGen C0950123, MeSH D030342.
Nephronophthisis 15 (NPHP15). Identifiers: Orphanet 3156, MedGen C3541853, MONDO:0013917, OMIM 614845.
CEP164-related disorder. Also called: CEP164-related condition.

Allele frequency attached by ClinVar (database versions not stated): TOPMed below 0.00001; gnomAD 0.00001; ExAC 0.00003; 1000 Genomes Project 0.00020; gnomAD exomes 0.00001; 1000 Genomes Project 30x 0.00016.

Submissions (4):

Ambry Genetics
Classification: Uncertain significance for Inborn genetic diseases. Last evaluated: 2025-10-23. Review status: criteria provided, single submitter. Criteria: Ambry Variant Classification Scheme 2023. Collection method: clinical testing. Allele origin: germline.

Fulgent Genetics
Classification: Uncertain significance for Nephronophthisis 15. Last evaluated: 2024-03-01. Review status: criteria provided, single submitter. Criteria: ACMG Guidelines, 2015. Collection method: clinical testing. Allele origin: germline.

Labcorp Genetics (formerly Invitae), Labcorp
Classification: Uncertain significance for Nephronophthisis 15. Last evaluated: 2021-09-01. Review status: criteria provided, single submitter. Criteria: Invitae Variant Classification Sherloc (09022015). Collection method: clinical testing. Allele origin: germline.
Comment: This sequence change replaces threonine with alanine at codon 1169 of the CEP164 protein (p.Thr1169Ala). The threonine residue is highly conserved and there is a small physicochemical difference between threonine and alanine. This variant is present in population databases (rs535589696, ExAC 0.08%). This variant has not been reported in the literature in individuals affected with CEP164-related conditions. Algorithms developed to predict the effect of missense changes on protein structure and function output the following: SIFT: "Deleterious"; PolyPhen-2: "Benign"; Align-GVGD: "Class C0". The alanine amino acid residue is found in multiple mammalian species, which suggests that this missense change does not adversely affect protein function. In summary, the available evidence is currently insufficient to determine the role of this variant in disease. Therefore, it has been classified as a Variant of Uncertain Significance.

PreventionGenetics, part of Exact Sciences
Classification: Uncertain significance for CEP164-related condition. Last evaluated: 2024-08-28. Review status: no assertion criteria provided. Collection method: clinical testing. Allele origin: germline. Not counted in ClinVar's aggregate classification.
Comment: The CEP164 c.3505A>G variant is predicted to result in the amino acid substitution p.Thr1169Ala. To our knowledge, this variant has not been reported in the literature. This variant is reported in 0.0066% of alleles in individuals of Latino descent in gnomAD. At this time, the clinical significance of this variant is uncertain due to the absence of conclusive functional and genetic evidence.

NM_014956.5(CEP164):c.3505A>G (p.Thr1169Ala)

Gene: CEP164 (centrosomal protein 164; plus strand). Cytogenetic location: 11q23.3.
Variant type: single nucleotide variant.
Coding change: c.3505A>G on transcript NM_014956.5 (MANE Select); coding-DNA position 3505, A replaced by G.
Protein change: p.Thr1169Ala; replaces threonine 1169 with alanine.
Molecular consequence: missense variant.
Genome position (GRCh38, 1-based): chr11:117,407,928, A>G. VCF-style: chr11-117407928-A-G. GRCh37 (hg19) VCF-style: chr11-117278644-A-G.
Other names: c.3514A>G, p.Thr1172Ala (NM_001271933.2); short protein forms T1169A, T1172A.
Identifiers: ClinVar variation 967517 (VCV000967517.10), dbSNP rs535589696, ClinGen allele CA6295491.